The following is an entry in ClinVar:

NM_001134407.3(GRIN2A):c.2372T>G (p.Leu791Arg)

Gene: GRIN2A (glutamate ionotropic receptor NMDA type subunit 2A; minus strand). Cytogenetic location: 16p13.2.
Variant type: single nucleotide variant.
Coding change: c.2372T>G on transcript NM_001134407.3 (MANE Select); coding-DNA position 2372, T replaced by G.
Protein change: p.Leu791Arg; replaces leucine 791 with arginine.
Molecular consequence: missense variant.
Genome position (GRCh38, 1-based): chr16:9,769,074, A>C on the plus strand (T>G on the coding strand, the complement: GRIN2A is on the minus strand). VCF-style: chr16-9769074-A-C. GRCh37 (hg19) VCF-style: chr16-9862931-A-C.
Other names: c.2372T>G, p.Leu791Arg (NM_000833.5, NM_001134408.2); short protein forms L791R.
Identifiers: ClinVar variation 3389656 (VCV003389656.14).

ClinVar aggregate classification (germline): Uncertain significance (1 of 4 stars; one submission).

Submission:

CeGaT Center for Human Genetics Tuebingen
Classification: Uncertain significance. Last evaluated: 2024-10-01. Review status: criteria provided, single submitter. Criteria: CeGaT Center For Human Genetics Tuebingen Variant Classification Criteria Version 2. Collection method: clinical testing. Allele origin: germline. Affected: yes. Observed: 2 variant alleles.
Comment: GRIN2A: PM2, PP2